The following is an entry in ClinVar:

ClinVar aggregate classification (germline): Pathogenic. Review status: reviewed by expert panel (3 of 4 stars). 3 submissions from 3 submitters: Pathogenic (1). 2 of the submissions do not count toward it. Last evaluated 2017-12-15.

Conditions:
Breast-ovarian cancer, familial, susceptibility to, 1 (BROVCA1). Also called: BRCA1 Hereditary Breast and Ovarian Cancer; OVARIAN CANCER, SUSCEPTIBILITY TO. Identifiers: Orphanet 145, MedGen C2676676, MONDO:0011450, OMIM 604370. Disease mechanism: loss of function.
Familial cancer of breast. Also called: hereditary breast carcinoma; BREAST CANCER, FAMILIAL; Hereditary breast cancer. Identifiers: Orphanet 227535, MedGen C0346153, MONDO:0016419, OMIM 114480. Disease mechanism: loss of function.
Hereditary breast ovarian cancer syndrome. Also called: BRCA1- and BRCA2-Associated Hereditary Breast and Ovarian Cancer; Hereditary breast and ovarian cancer syndrome; Hereditary breast and ovarian cancer syndrome (HBOC); Breast and ovarian cancer; Hereditary breast and/or ovarian cancer syndrome; Hereditary breast and ovarian cancer. Identifiers: Orphanet 145, MedGen C0677776, MeSH D061325, MONDO:0003582. Disease mechanism: loss of function.

Submissions (3):

Evidence-based Network for the Interpretation of Germline Mutant Alleles (ENIGMA)
Classification: Pathogenic for Breast-ovarian cancer, familial, susceptibility to, 1. Last evaluated: 2017-12-15. Review status: reviewed by expert panel. Criteria: ENIGMA BRCA1/2 Classification Criteria (2017-06-29). Collection method: curation. Allele origin: germline. Study: ENIGMA.
Comment: Variant allele predicted to encode a truncated non-functional protein.

Labcorp Genetics (formerly Invitae), Labcorp
Classification: Pathogenic for Hereditary breast ovarian cancer syndrome. Last evaluated: 2021-11-12. Review status: criteria provided, single submitter. Criteria: Invitae Variant Classification Sherloc (09022015). Collection method: clinical testing. Allele origin: germline. Not counted in ClinVar's aggregate classification.
Comment: This sequence change creates a premature translational stop signal (p.Glu1413*) in the BRCA1 gene. It is expected to result in an absent or disrupted protein product. Loss-of-function variants in BRCA1 are known to be pathogenic (PMID: 20104584). This variant is not present in population databases (gnomAD no frequency). This premature translational stop signal has been observed in individual(s) with breast cancer (PMID: 21859355). ClinVar contains an entry for this variant (Variation ID: 55148). For these reasons, this variant has been classified as Pathogenic.

ClinVar Staff, National Center for Biotechnology Information (NCBI)
No classification provided. Condition: Familial cancer of breast. Review status: no classification provided. Collection method: literature only. Allele origin: germline. Affected: yes. Not counted in ClinVar's aggregate classification.

Literature cited by the submitters: PubMed 20104584 (cited by Labcorp Genetics (formerly Invitae), Labcorp); PubMed 21859355 (cited by Labcorp Genetics (formerly Invitae), Labcorp and ClinVar Staff, National Center for Biotechnology Information (NCBI)).

NM_007294.4(BRCA1):c.4237G>T (p.Glu1413Ter)

Gene: BRCA1 (BRCA1 DNA repair associated; minus strand). Cytogenetic location: 17q21.31.
Variant type: single nucleotide variant.
Coding change: c.4237G>T on transcript NM_007294.4 (MANE Select); coding-DNA position 4237, G replaced by T.
Protein change: p.Glu1413Ter; replaces glutamic acid 1413 with a stop codon.
Molecular consequence: nonsense. On other transcripts: non-coding transcript variant (1).
Genome position (GRCh38, 1-based): chr17:43,082,524, C>A on the plus strand (G>T on the coding strand, the complement: BRCA1 is on the minus strand). VCF-style: chr17-43082524-C-A. GRCh37 (hg19) VCF-style: chr17-41234541-C-A.
Other names: c.4111G>T, p.Glu1371Ter (NM_001407688.1, NM_001407689.1, NM_001407649.1 and 12 more transcripts); c.4108G>T, p.Glu1370Ter (NM_001407690.1, NM_001407691.1, NM_001407685.1 and 2 more transcripts); c.4096G>T, p.Glu1366Ter (NM_001407692.1, NM_001407694.1, NM_001407695.1 and 23 more transcripts); c.4237G>T, p.Glu1413Ter (NM_001407605.1, NM_001407616.1, NM_001407617.1 and 23 more transcripts); c.4234G>T, p.Glu1412Ter (NM_001407610.1, NM_001407611.1, NM_001407612.1 and 21 more transcripts); c.4231G>T, p.Glu1411Ter (NM_001407628.1, NM_001407629.1, NM_001407630.1 and 5 more transcripts); c.4114G>T, p.Glu1372Ter (NM_001407648.1, NM_001407669.1, NM_001407677.1 and 13 more transcripts); c.4159G>T, p.Glu1387Ter (NM_001407653.1, NM_001407654.1, NM_001407655.1 and 2 more transcripts); and 51 more; short protein forms E1413*, E1366*, E310*, E1286*, E1325*, E1345*, E1365*, E183*.
Identifiers: ClinVar variation 55148 (VCV000055148.10), dbSNP rs397509153, ClinGen allele CA002724.